The following is an entry in ClinVar:

ClinVar aggregate classification (germline): Uncertain significance (1 of 4 stars; one submission).

Submission:

GeneDx
Classification: Uncertain significance. Last evaluated: 2024-11-22. Review status: criteria provided, single submitter. Criteria: GeneDx Variant Classification Process June 2021. Collection method: clinical testing. Allele origin: germline. Affected: yes.
Comment: Frameshift variant predicted to result in abnormal protein length as the last 120 amino acid(s) are replaced with 12 different amino acid(s); Has not been previously published as pathogenic or benign to our knowledge

NM_016312.3(WBP11):c.1560del (p.Leu522fs)

Gene: WBP11 (WW domain binding protein 11; minus strand). Cytogenetic location: 12p12.3.
Variant type: Deletion.
Coding change: c.1560del on transcript NM_016312.3 (MANE Select); coding-DNA position 1560, one base deleted (T; older notation c.1560delT).
Protein change: p.Leu522fs; shifts the reading frame from leucine 522.
Molecular consequence: frameshift variant.
Genome position (GRCh38, 1-based): chr12:14,787,431, A deleted on the plus strand (T on the coding strand, the reverse complement: WBP11 is on the minus strand). VCF-style (leftmost placement, unchanged base first): chr12-14787430-CA-C. GRCh37 (hg19) VCF-style: chr12-14940364-CA-C.
Other names: short protein forms L522fs.
Identifiers: ClinVar variation 3901555 (VCV003901555.1).